The following is an entry in ClinVar:

ClinVar aggregate classification (germline): Uncertain significance. Review status: criteria provided, multiple submitters, no conflicts (2 of 4 stars). 2 submissions from 2 submitters: Uncertain significance (2). Last evaluated 2025-07-24.

Conditions:
Hereditary cancer-predisposing syndrome. Also called: Neoplastic Syndromes, Hereditary; Tumor predisposition; Hereditary Cancer Syndrome; Hereditary neoplastic syndrome. Identifiers: Orphanet 140162, MedGen C0027672, MeSH D009386, MONDO:0015356.

Allele frequency attached by ClinVar (database versions not stated): gnomAD 0.00001.
gnomAD v4.1: 10 of 1,613,848 alleles (0.00062%); highest among the groups gnomAD compares: Non-Finnish European, 0.00085%; no homozygotes.

Submissions (2):

Labcorp Genetics (formerly Invitae), Labcorp
Classification: Uncertain significance. Last evaluated: 2025-07-24. Review status: criteria provided, single submitter. Criteria: Invitae Variant Classification Sherloc (09022015). Collection method: clinical testing. Allele origin: germline.
Comment: This sequence change replaces isoleucine, which is neutral and non-polar, with methionine, which is neutral and non-polar, at codon 1082 of the MSH3 protein (p.Ile1082Met). This variant is not present in population databases (gnomAD no frequency). This variant has not been reported in the literature in individuals affected with MSH3-related conditions. ClinVar contains an entry for this variant (Variation ID: 1729348). An algorithm developed to predict the effect of missense changes on protein structure and function (PolyPhen-2) suggests that this variant is likely to be disruptive. In summary, the available evidence is currently insufficient to determine the role of this variant in disease. Therefore, it has been classified as a Variant of Uncertain Significance.

Ambry Genetics
Classification: Uncertain significance for Hereditary cancer-predisposing syndrome. Last evaluated: 2025-01-10. Review status: criteria provided, single submitter. Criteria: Ambry Variant Classification Scheme 2023. Collection method: clinical testing. Allele origin: germline.
Comment: The p.I1082M variant (also known as c.3246T>G), located in coding exon 23 of the MSH3 gene, results from a T to G substitution at nucleotide position 3246. The isoleucine at codon 1082 is replaced by methionine, an amino acid with highly similar properties. This amino acid position is conserved. In addition, the in silico prediction for this alteration is inconclusive. Since supporting evidence is limited at this time, the clinical significance of this alteration remains unclear.

NM_002439.5(MSH3):c.3246T>G (p.Ile1082Met)

Gene: MSH3 (mutS homolog 3; plus strand). Cytogenetic location: 5q14.1.
Variant type: single nucleotide variant.
Coding change: c.3246T>G on transcript NM_002439.5 (MANE Select); coding-DNA position 3246, T replaced by G.
Protein change: p.Ile1082Met; replaces isoleucine 1082 with methionine.
Molecular consequence: missense variant.
Genome position (GRCh38, 1-based): chr5:80,873,231, T>G. VCF-style: chr5-80873231-T-G. GRCh37 (hg19) VCF-style: chr5-80169050-T-G.
Other names: short protein forms I1082M.
Identifiers: ClinVar variation 1729348 (VCV001729348.8), dbSNP rs764045075, ClinGen allele CA121753097.
Genomic context (GRCh38, chr5:80,873,231, plus strand): 5'-AATTGCAGCAAGGAGTTATGGATTAAATGTGGCTAAACTAGCAGATGTTCCTGGAGAAAT[T>G]TTGAAGAAAGCAGCTCACAAGTCAAAAGAGCTGGAAGGATTAATAAATACGAAAAGGTCA-3'
Protein context (NP_002430.3, residues 1072-1092): VAKLADVPGE[Ile1082Met]LKKAAHKSKE